The following is an entry in ClinVar:

NM_015692.5(CPAMD8):c.3787-4_3787-3delinsAT

Gene: CPAMD8 (C3 and PZP like alpha-2-macroglobulin domain containing 8; minus strand). Cytogenetic location: 19p13.11.
Variant type: Indel.
Coding change: c.3787-4_3787-3delinsAT on transcript NM_015692.5 (MANE Select); 4 bases into the intron before coding-DNA position 3787 through 3 bases into the intron before coding-DNA position 3787, GC replaced by AT.
Molecular consequence: intron variant.
Genome position (GRCh38, 1-based): chr19:16,914,501-16,914,502, GC replaced by AT on the plus strand (GC replaced by AT on the coding strand, the reverse complement: CPAMD8 is on the minus strand). VCF-style: chr19-16914501-GC-AT. GRCh37 (hg19) VCF-style: chr19-17025311-GC-AT.
Identifiers: ClinVar variation 2854810 (VCV002854810.3), dbSNP rs2512819422, ClinGen allele CA2739276590.

ClinVar aggregate classification (germline): Uncertain significance (1 of 4 stars; one submission).

Submission:

Labcorp Genetics (formerly Invitae), Labcorp
Classification: Uncertain significance. Last evaluated: 2024-05-16. Review status: criteria provided, single submitter. Criteria: Invitae Variant Classification Sherloc (09022015). Collection method: clinical testing. Allele origin: germline.
Comment: This sequence change falls in intron 28 of the CPAMD8 gene. It does not directly change the encoded amino acid sequence of the CPAMD8 protein. It affects a nucleotide within the consensus splice site. Information on the frequency of this variant in the gnomAD database is not available, as this variant may be reported differently in the database. This variant has not been reported in the literature in individuals affected with CPAMD8-related conditions. Variants that disrupt the consensus splice site are a relatively common cause of aberrant splicing (PMID: 17576681, 9536098). Experimental studies and prediction algorithms are not available or were not evaluated, and the effect of this variant on mRNA splicing is currently unknown. In summary, the available evidence is currently insufficient to determine the role of this variant in disease. Therefore, it has been classified as a Variant of Uncertain Significance.

Literature cited by the submitters: PubMed 17576681; PubMed 9536098.